The following is an entry in ClinVar:

ClinVar aggregate classification (germline): Uncertain significance. Review status: criteria provided, single submitter (1 of 4 stars). 2 submissions from 2 submitters: Uncertain significance (1). 1 of the submissions does not count toward it. Last evaluated 2022-11-22.

Conditions:
Fanconi anemia (FA). Also called: Fanconi's anemia. Identifiers: Orphanet 84, MedGen C0015625, MeSH D005199, MONDO:0019391.

gnomAD v4.1: 1 of 1,610,348 alleles (0.000062%); highest among the groups gnomAD compares: Admixed American, 0.0017%; no homozygotes.

Submissions (2):

Labcorp Genetics (formerly Invitae), Labcorp
Classification: Uncertain significance for Fanconi anemia. Last evaluated: 2022-11-22. Review status: criteria provided, single submitter. Criteria: Invitae Variant Classification Sherloc (09022015). Collection method: clinical testing. Allele origin: germline.
Comment: In summary, the available evidence is currently insufficient to determine the role of this variant in disease. Therefore, it has been classified as a Variant of Uncertain Significance. Advanced modeling of protein sequence and biophysical properties (such as structural, functional, and spatial information, amino acid conservation, physicochemical variation, residue mobility, and thermodynamic stability) performed at Invitae indicates that this missense variant is expected to disrupt FANCA protein function. ClinVar contains an entry for this variant (Variation ID: 1059007). This variant has not been reported in the literature in individuals affected with FANCA-related conditions. The frequency data for this variant in the population databases is considered unreliable, as metrics indicate poor data quality at this position in the gnomAD database. This sequence change replaces proline, which is neutral and non-polar, with histidine, which is basic and polar, at codon 738 of the FANCA protein (p.Pro738His).

Natera, Inc.
Classification: Uncertain significance for Fanconi anemia. Last evaluated: 2021-07-07. Review status: no assertion criteria provided. Collection method: clinical testing. Allele origin: germline. Not counted in ClinVar's aggregate classification.

NM_000135.4(FANCA):c.2213C>A (p.Pro738His)

Gene: FANCA (FA complementation group A; minus strand). Cytogenetic location: 16q24.3.
Variant type: single nucleotide variant.
Coding change: c.2213C>A on transcript NM_000135.4 (MANE Select); coding-DNA position 2213, C replaced by A.
Protein change: p.Pro738His; replaces proline 738 with histidine.
Molecular consequence: missense variant.
Genome position (GRCh38, 1-based): chr16:89,770,573, G>T on the plus strand (C>A on the coding strand, the complement: FANCA is on the minus strand). VCF-style: chr16-89770573-G-T. GRCh37 (hg19) VCF-style: chr16-89836981-G-T.
Other names: c.2213C>A, p.Pro738His (NM_001286167.3); short protein forms P738H.
Identifiers: ClinVar variation 1059007 (VCV001059007.10), dbSNP rs762333391, ClinGen allele CA8251845.